The following is an entry in ClinVar:

NM_177438.3(DICER1):c.5614A>G (p.Arg1872Gly)

Gene: DICER1 (dicer 1, ribonuclease III; minus strand). Cytogenetic location: 14q32.13.
Variant type: single nucleotide variant.
Coding change: c.5614A>G on transcript NM_177438.3 (MANE Select); coding-DNA position 5614, A replaced by G.
Protein change: p.Arg1872Gly; replaces arginine 1872 with glycine.
Molecular consequence: missense variant. On other transcripts: synonymous variant (1).
Genome position (GRCh38, 1-based): chr14:95,090,653, T>C on the plus strand (A>G on the coding strand, the complement: DICER1 is on the minus strand). VCF-style: chr14-95090653-T-C. GRCh37 (hg19) VCF-style: chr14-95556990-T-C.
Other names: c.5451A>G, p.Arg1817= (NM_001195573.1); c.5614A>G, p.Arg1872Gly (NM_001271282.3, NM_001291628.2, NM_030621.4); short protein forms R1872G.
Identifiers: ClinVar variation 639959 (VCV000639959.10), dbSNP rs1595310673, ClinGen allele CA390863769.
Genomic context (GRCh38, chr14:95,090,653, plus strand): 5'-CTTTAAATTTCCCCTTTCCTACTACTTCCACAGTGACTCTGACCTTCCCGTCGTAAGTTC[T>C]CTCAGCCGGGCTGTAAAAAATCCAAACAGCTTGAATTAGAAGTCAGAAGTATTTATTATC-3'
Protein context (NP_803187.1, residues 1862-1882): PETAKFSPAE[Arg1872Gly]TYDGKVRVTV

ClinVar aggregate classification (germline): Uncertain significance (1 of 4 stars; one submission).

Conditions:
DICER1-related tumor predisposition. Also called: DICER1-related pleuropulmonary blastoma cancer predisposition syndrome; DICER1 syndrome. Identifiers: Orphanet 284343, MedGen C3839822, MONDO:0100216.

Submission:

Labcorp Genetics (formerly Invitae), Labcorp
Classification: Uncertain significance for DICER1-related tumor predisposition. Last evaluated: 2018-09-20. Review status: criteria provided, single submitter. Criteria: Invitae Variant Classification Sherloc (09022015). Collection method: clinical testing. Allele origin: germline.
Comment: In summary, the available evidence is currently insufficient to determine the role of this variant in disease. Therefore, it has been classified as a Variant of Uncertain Significance. Algorithms developed to predict the effect of missense changes on protein structure and function (SIFT, PolyPhen-2, Align-GVGD) all suggest that this variant is likely to be disruptive, but these predictions have not been confirmed by published functional studies and their clinical significance is uncertain. This variant has not been reported in the literature in individuals with DICER1-related disease. This variant is not present in population databases (ExAC no frequency). This sequence change replaces arginine with glycine at codon 1872 of the DICER1 protein (p.Arg1872Gly). The arginine residue is highly conserved and there is a moderate physicochemical difference between arginine and glycine.